The following is an entry in ClinVar:

NM_005869.4(CWC27):c.797G>A (p.Ser266Asn)

Gene: CWC27 (CWC27 spliceosome associated cyclophilin; plus strand). Cytogenetic location: 5q12.3.
Variant type: single nucleotide variant.
Coding change: c.797G>A on transcript NM_005869.4 (MANE Select); coding-DNA position 797, G replaced by A.
Protein change: p.Ser266Asn; replaces serine 266 with asparagine.
Molecular consequence: missense variant.
Genome position (GRCh38, 1-based): chr5:64,804,245, G>A. VCF-style: chr5-64804245-G-A. GRCh37 (hg19) VCF-style: chr5-64100072-G-A.
Other names: c.797G>A, p.Ser266Asn (NM_001297644.1, NM_001297645.2, NM_001318000.2 and 1 more transcripts); short protein forms S266N.
Identifiers: ClinVar variation 1016851 (VCV001016851.8), dbSNP rs1744581925, ClinGen allele CA359833206.

ClinVar aggregate classification (germline): Uncertain significance (1 of 4 stars; one submission).

Allele frequency attached by ClinVar (database versions not stated): TOPMed below 0.00001; gnomAD 0.00001.
gnomAD v4.1: 3 of 1,608,850 alleles (0.00019%); highest among the groups gnomAD compares: Admixed American, 0.0017%; no homozygotes.

Submission:

Labcorp Genetics (formerly Invitae), Labcorp
Classification: Uncertain significance. Last evaluated: 2024-09-29. Review status: criteria provided, single submitter. Criteria: Invitae Variant Classification Sherloc (09022015). Collection method: clinical testing. Allele origin: germline.
Comment: This sequence change replaces serine, which is neutral and polar, with asparagine, which is neutral and polar, at codon 266 of the CWC27 protein (p.Ser266Asn). This variant is not present in population databases (gnomAD no frequency). This variant has not been reported in the literature in individuals affected with CWC27-related conditions. ClinVar contains an entry for this variant (Variation ID: 1016851). An algorithm developed to predict the effect of missense changes on protein structure and function outputs the following: PolyPhen-2: "Benign". The asparagine amino acid residue is found in multiple mammalian species, which suggests that this missense change does not adversely affect protein function. In summary, the available evidence is currently insufficient to determine the role of this variant in disease. Therefore, it has been classified as a Variant of Uncertain Significance.